The following is an entry in ClinVar:

ClinVar aggregate classification (germline): Benign/Likely benign. Review status: criteria provided, multiple submitters, no conflicts (2 of 4 stars). 10 submissions from 10 submitters: Benign (3); Likely benign (5). 2 of the submissions do not count toward it. Last evaluated 2026-08-01.

Conditions:
Cardiovascular phenotype. Identifiers: MedGen CN230736.
Catecholaminergic polymorphic ventricular tachycardia (CVPT). Also called: Catecholamine-induced polymorphic ventricular tachycardia. Identifiers: Orphanet 3286, MedGen C5574922, MONDO:0017990.
Cardiomyopathy (CMYO). Also called: Cardiomyopathies. Identifiers: Orphanet 167848, MedGen C0878544, MONDO:0004994, HP:0001638. Inheritance: Various modes of inheritance.
Catecholaminergic polymorphic ventricular tachycardia 1. Also called: RYR2-Related Catecholaminergic Polymorphic Ventricular Tachycardia; VENTRICULAR TACHYCARDIA, STRESS-INDUCED POLYMORPHIC 1; VENTRICULAR TACHYCARDIA, CATECHOLAMINERGIC POLYMORPHIC, 1, WITH OR WITHOUT ATRIAL DYSFUNCTION AND/OR DILATED CARDIOMYOPATHY. Identifiers: Orphanet 3286, MedGen C1631597, MONDO:0011484, OMIM 604772.

Allele frequency attached by ClinVar (database versions not stated): gnomAD 0.00006; TOPMed 0.00013; 1000 Genomes Project 0.00020; 1000 Genomes Project 30x 0.00031.
gnomAD v4.1: 60 of 1,609,336 alleles (0.0037%); highest among the groups gnomAD compares: East Asian, 0.071%; 1 homozygote.

Submissions (10):

CeGaT Center for Human Genetics Tuebingen
Classification: Likely benign. Last evaluated: 2026-08-01. Review status: criteria provided, single submitter. Criteria: CeGaT Center For Human Genetics Tuebingen Variant Classification Criteria Version 2. Collection method: clinical testing. Allele origin: germline. Affected: yes. Observed: 1 variant allele.
Comment: RYR2: BP4, BP7

Labcorp Genetics (formerly Invitae), Labcorp
Classification: Benign for Catecholaminergic polymorphic ventricular tachycardia 1. Last evaluated: 2026-01-09. Review status: criteria provided, single submitter. Criteria: Invitae Variant Classification Sherloc (09022015). Collection method: clinical testing. Allele origin: germline.

Blueprint Genetics
Classification: Likely benign. Last evaluated: 2024-09-10. Review status: criteria provided, single submitter. Criteria: ACMG Guidelines, 2015. Collection method: clinical testing. Allele origin: germline.

All of Us Research Program, National Institutes of Health
Classification: Likely benign for Catecholaminergic polymorphic ventricular tachycardia. Last evaluated: 2023-12-13. Review status: criteria provided, single submitter. Criteria: ACMG Guidelines, 2015. Collection method: clinical testing. Allele origin: germline. Inheritance: Autosomal dominant inheritance. Observed: 13 variant alleles, 13 heterozygotes.
Comment: This study involves interpretation of variants in research participants for the purpose of population health screening. Participant phenotype was not available at the time of variant classification. Additional details can be found in publication PMID: 35346344, PMCID: PMC8962531

Ambry Genetics
Classification: Likely benign for Cardiovascular phenotype. Last evaluated: 2019-10-16. Review status: criteria provided, single submitter. Criteria: Ambry Variant Classification Scheme 2023. Collection method: clinical testing. Allele origin: germline.

Women's Health and Genetics/Laboratory Corporation of America, LabCorp
Classification: Benign. Last evaluated: 2019-02-11. Review status: criteria provided, single submitter. Criteria: LabCorp Variant Classification Summary - May 2015. Collection method: clinical testing. Allele origin: germline.
Comment: Variant summary: RYR2 c.6738G>T alters a non-conserved nucleotide resulting in a synonymous change. 5/5 computational tools predict no significant impact on normal splicing. However, these predictions have yet to be confirmed by functional studies. The variant allele was found at a frequency of 0.00011 in 269584 control chromosomes. The observed variant frequency is approximately 4.3 fold of the estimated maximal expected allele frequency for a pathogenic variant in RYR2 causing Cardiomyopathy phenotype (2.5e-05), strongly suggesting that the variant is benign. To our knowledge, no occurrence of c.6738G>T in individuals affected with Cardiomyopathy and no experimental evidence demonstrating its impact on protein function have been reported. One clinical diagnostic laboratory has submitted clinical-significance assessments for this variant to ClinVar after 2014 without evidence for independent evaluation. One laboratory classified the variant as benign. Based on the evidence outlined above, the variant was classified as benign.

Color Diagnostics, LLC DBA Color Health
Classification: Likely benign for Cardiomyopathy. Last evaluated: 2018-09-24. Review status: criteria provided, single submitter. Criteria: ACMG Guidelines, 2015. Collection method: clinical testing. Allele origin: germline.

GeneDx
Classification: Benign. Last evaluated: 2014-09-19. Review status: criteria provided, single submitter. Criteria: GeneDx Variant Classification (06012015). Collection method: clinical testing. Allele origin: germline. Affected: yes.
Comment: This variant is considered likely benign or benign based on one or more of the following criteria: it is a conservative change, it occurs at a poorly conserved position in the protein, it is predicted to be benign by multiple in silico algorithms, and/or has population frequency not consistent with disease.

Clinical Genetics, Academic Medical Center
Classification: Benign. Review status: no assertion criteria provided. Collection method: clinical testing. Allele origin: germline. Affected: yes. Study: VKGL Data-share Consensus. Not counted in ClinVar's aggregate classification.

Diagnostic Laboratory, Department of Genetics, University Medical Center Groningen
Classification: Likely benign. Review status: no assertion criteria provided. Collection method: clinical testing. Allele origin: germline. Affected: yes. Study: VKGL Data-share Consensus. Not counted in ClinVar's aggregate classification.

NM_001035.3(RYR2):c.6738G>T (p.Ser2246=)

Gene: RYR2 (ryanodine receptor 2; plus strand). Cytogenetic location: 1q43.
Variant type: single nucleotide variant.
Coding change: c.6738G>T on transcript NM_001035.3 (MANE Select); coding-DNA position 6738, G replaced by T.
Protein change: p.Ser2246=; no amino-acid change (serine 2246 retained).
Molecular consequence: synonymous variant.
Genome position (GRCh38, 1-based): chr1:237,634,938, G>T. VCF-style: chr1-237634938-G-T. GRCh37 (hg19) VCF-style: chr1-237798238-G-T.
Other names: p.S2246S:TCG>TCT; c.6738G>T, p.Ser2246= (LRG_402t1).
Identifiers: ClinVar variation 201175 (VCV000201175.24), dbSNP rs368207198, ClinGen allele CA010302.